The following is an entry in ClinVar:

NM_000256.3(MYBPC3):c.1879G>A (p.Ala627Thr)

Gene: MYBPC3 (myosin binding protein C3; minus strand). Cytogenetic location: 11p11.2.
Variant type: single nucleotide variant.
Coding change: c.1879G>A on transcript NM_000256.3 (MANE Select); coding-DNA position 1879, G replaced by A.
Protein change: p.Ala627Thr; replaces alanine 627 with threonine.
Molecular consequence: missense variant.
Genome position (GRCh38, 1-based): chr11:47,341,156, C>T on the plus strand (G>A on the coding strand, the complement: MYBPC3 is on the minus strand). VCF-style: chr11-47341156-C-T. GRCh37 (hg19) VCF-style: chr11-47362707-C-T.
Other names: short protein forms A627T.
Identifiers: ClinVar variation 3876143 (VCV003876143.1).

ClinVar aggregate classification (germline): Uncertain significance (1 of 4 stars; one submission).

Conditions:
Cardiovascular phenotype. Identifiers: MedGen CN230736.

Submission:

Ambry Genetics
Classification: Uncertain significance for Cardiovascular phenotype. Last evaluated: 2025-02-21. Review status: criteria provided, single submitter. Criteria: Ambry Variant Classification Scheme 2023. Collection method: clinical testing. Allele origin: germline.
Comment: The p.A627T variant (also known as c.1879G>A), located in coding exon 19 of the MYBPC3 gene, results from a G to A substitution at nucleotide position 1879. The alanine at codon 627 is replaced by threonine, an amino acid with similar properties. This amino acid position is highly conserved in available vertebrate species. In addition, this alteration is predicted to be deleterious by in silico analysis. Based on the available evidence, the clinical significance of this variant remains unclear.